The following is an entry in ClinVar:

ClinVar aggregate classification (germline): Uncertain significance. Review status: criteria provided, multiple submitters, no conflicts (2 of 4 stars). 2 submissions from 2 submitters: Uncertain significance (2). Last evaluated 2022-08-15.

gnomAD v4.1: 2 of 1,614,146 alleles (0.00012%); highest among the groups gnomAD compares: Admixed American, 0.0017%; no homozygotes.

Submissions (2):

GeneDx
Classification: Uncertain significance. Last evaluated: 2022-08-15. Review status: criteria provided, single submitter. Criteria: GeneDx Variant Classification Process June 2021. Collection method: clinical testing. Allele origin: germline. Affected: yes.
Comment: Not observed at significant frequency in large population cohorts (gnomAD); In silico analysis supports that this missense variant has a deleterious effect on protein structure/function; Has not been previously published as pathogenic or benign to our knowledge

Labcorp Genetics (formerly Invitae), Labcorp
Classification: Uncertain significance. Last evaluated: 2021-12-23. Review status: criteria provided, single submitter. Criteria: Invitae Variant Classification Sherloc (09022015). Collection method: clinical testing. Allele origin: germline.
Comment: In summary, the available evidence is currently insufficient to determine the role of this variant in disease. Therefore, it has been classified as a Variant of Uncertain Significance. This sequence change replaces asparagine, which is neutral and polar, with lysine, which is basic and polar, at codon 341 of the CACNA1D protein (p.Asn341Lys). This variant is present in population databases (no rsID available, gnomAD 0.0009%). This variant has not been reported in the literature in individuals affected with CACNA1D-related conditions. Algorithms developed to predict the effect of missense changes on protein structure and function are either unavailable or do not agree on the potential impact of this missense change (SIFT: "Deleterious"; PolyPhen-2: "Probably Damaging"; Align-GVGD: "Class C0"). Algorithms developed to predict the effect of sequence changes on RNA splicing suggest that this variant may create or strengthen a splice site.

NM_001128840.3(CACNA1D):c.1023C>A (p.Asn341Lys)

Gene: CACNA1D (calcium voltage-gated channel subunit alpha1 D; plus strand). Cytogenetic location: 3p21.1.
Variant type: single nucleotide variant.
Coding change: c.1023C>A on transcript NM_001128840.3 (MANE Select); coding-DNA position 1023, C replaced by A.
Protein change: p.Asn341Lys; replaces asparagine 341 with lysine.
Molecular consequence: missense variant.
Genome position (GRCh38, 1-based): chr3:53,666,442, C>A. VCF-style: chr3-53666442-C-A. GRCh37 (hg19) VCF-style: chr3-53700469-C-A.
Other names: c.1023C>A, p.Asn341Lys (NM_000720.4, NM_001128839.3); short protein forms N341K.
Identifiers: ClinVar variation 1700800 (VCV001700800.6), dbSNP rs201819347, ClinGen allele CA353383514.